The following is an entry in ClinVar:

NM_000038.6(APC):c.7516A>C (p.Lys2506Gln)

Gene: APC (APC regulator of Wnt signaling pathway; plus strand). Cytogenetic location: 5q22.2.
Variant type: single nucleotide variant.
Coding change: c.7516A>C on transcript NM_000038.6 (MANE Select); coding-DNA position 7516, A replaced by C.
Protein change: p.Lys2506Gln; replaces lysine 2506 with glutamine.
Molecular consequence: missense variant.
Genome position (GRCh38, 1-based): chr5:112,843,110, A>C. VCF-style: chr5-112843110-A-C. GRCh37 (hg19) VCF-style: chr5-112178807-A-C.
Other names: c.7516A>C, p.Lys2506Gln (NM_001127510.3, NM_001354895.2); c.7462A>C, p.Lys2488Gln (NM_001127511.3); c.7570A>C, p.Lys2524Gln (NM_001354896.2); c.7546A>C, p.Lys2516Gln (NM_001354897.2); c.7441A>C, p.Lys2481Gln (NM_001354898.2); c.7432A>C, p.Lys2478Gln (NM_001354899.2); c.7393A>C, p.Lys2465Gln (NM_001354900.2); c.7339A>C, p.Lys2447Gln (NM_001354901.2); and 5 more; short protein forms K2488Q, K2506Q, K2223Q, K2478Q, K2516Q, K2380Q, K2481Q, K2346Q.
Identifiers: ClinVar variation 487040 (VCV000487040.17), dbSNP rs1554088422, ClinGen allele CA16037669.

ClinVar aggregate classification (germline): Uncertain significance. Review status: criteria provided, multiple submitters, no conflicts (2 of 4 stars). 2 submissions from 2 submitters: Uncertain significance (2). Last evaluated 2021-07-02.

Conditions:
Hereditary cancer-predisposing syndrome. Also called: Tumor predisposition; Hereditary Cancer Syndrome; Hereditary neoplastic syndrome; Neoplastic Syndromes, Hereditary. Identifiers: Orphanet 140162, MedGen C0027672, MeSH D009386, MONDO:0015356.
Familial adenomatous polyposis 1 (FAP1). Also called: FAMILIAL ADENOMATOUS POLYPOSIS 1, ATTENUATED; POLYPOSIS, ADENOMATOUS INTESTINAL. Identifiers: MedGen C2713442, MONDO:0021056, OMIM 175100. Disease mechanism: loss of function.

Allele frequency attached by ClinVar (database versions not stated): gnomAD exomes below 0.00001.
gnomAD v4.1: 1 of 1,614,058 alleles (0.000062%); highest among the groups gnomAD compares: East Asian, 0.0022%; no homozygotes.

Submissions (2):

Labcorp Genetics (formerly Invitae), Labcorp
Classification: Uncertain significance for Familial adenomatous polyposis 1. Last evaluated: 2021-07-02. Review status: criteria provided, single submitter. Criteria: Invitae Variant Classification Sherloc (09022015). Collection method: clinical testing. Allele origin: germline.
Comment: This sequence change replaces lysine with glutamine at codon 2506 of the APC protein (p.Lys2506Gln). The lysine residue is highly conserved and there is a small physicochemical difference between lysine and glutamine. This variant is not present in population databases (ExAC no frequency). This variant has not been reported in the literature in individuals with APC-related disease. ClinVar contains an entry for this variant (Variation ID: 487040). Algorithms developed to predict the effect of missense changes on protein structure and function are either unavailable or do not agree on the potential impact of this missense change (SIFT: "Tolerated"; PolyPhen-2: "Possibly Damaging"; Align-GVGD: "Class C0"). In summary, the available evidence is currently insufficient to determine the role of this variant in disease. Therefore, it has been classified as a Variant of Uncertain Significance.

Ambry Genetics
Classification: Uncertain significance for Hereditary cancer-predisposing syndrome. Last evaluated: 2016-11-28. Review status: criteria provided, single submitter. Criteria: Ambry Variant Classification Scheme 2023. Collection method: clinical testing. Allele origin: germline.
Comment: The p.K2506Q variant (also known as c.7516A>C), located in coding exon 15 of the APC gene, results from an A to C substitution at nucleotide position 7516. The lysine at codon 2506 is replaced by glutamine, an amino acid with similar properties. This amino acid position is not well conserved in available vertebrate species. In addition, in silico predictors for this gene do not accurately predict pathogenicity. Since supporting evidence is limited at this time, the clinical significance of this alteration remains unclear.